The following is an entry in ClinVar:

ClinVar aggregate classification (germline): Uncertain significance (1 of 4 stars; one submission).

Submission:

GeneDx
Classification: Uncertain significance. Last evaluated: 2026-02-10. Review status: criteria provided, single submitter. Criteria: GeneDx Variant Classification Process June 2021. Collection method: clinical testing. Allele origin: germline.
Comment: Not observed at significant frequency in large population cohorts (gnomAD); In silico analysis supports that this missense variant has a deleterious effect on protein structure/function; Has not been previously published as pathogenic or benign to our knowledge

NM_005901.6(SMAD2):c.508G>T (p.Val170Phe)

Gene: SMAD2 (SMAD family member 2; minus strand). Cytogenetic location: 18q21.1.
Variant type: single nucleotide variant.
Coding change: c.508G>T on transcript NM_005901.6 (MANE Select); coding-DNA position 508, G replaced by T.
Protein change: p.Val170Phe; replaces valine 170 with phenylalanine.
Molecular consequence: missense variant.
Genome position (GRCh38, 1-based): chr18:47,869,255, C>A on the plus strand (G>T on the coding strand, the complement: SMAD2 is on the minus strand). VCF-style: chr18-47869255-C-A. GRCh37 (hg19) VCF-style: chr18-45395626-C-A.
Other names: c.508G>T, p.Val170Phe (NM_001003652.4); c.418G>T, p.Val140Phe (NM_001135937.3); short protein forms V140F, V170F.
Identifiers: ClinVar variation 4975932 (VCV004975932.1).